The following is an entry in ClinVar:

NM_001013838.3(CARMIL2):c.439G>C (p.Glu147Gln)

Gene: CARMIL2 (capping protein regulator and myosin 1 linker 2; plus strand). Cytogenetic location: 16q22.1.
Variant type: single nucleotide variant.
Coding change: c.439G>C on transcript NM_001013838.3 (MANE Select); coding-DNA position 439, G replaced by C.
Protein change: p.Glu147Gln; replaces glutamic acid 147 with glutamine.
Molecular consequence: missense variant.
Genome position (GRCh38, 1-based): chr16:67,646,490, G>C. VCF-style: chr16-67646490-G-C. GRCh37 (hg19) VCF-style: chr16-67680393-G-C.
Other names: c.439G>C, p.Glu147Gln (NM_001317026.3); short protein forms E147Q.
Identifiers: ClinVar variation 1507676 (VCV001507676.8), dbSNP rs776215585, ClinGen allele CA8113063.

ClinVar aggregate classification (germline): Uncertain significance (1 of 4 stars; one submission).

Allele frequency attached by ClinVar (database versions not stated): gnomAD exomes below 0.00001 and 0.00002; TOPMed below 0.00001; ExAC 0.00001.
gnomAD v4.1: 34 of 1,613,346 alleles (0.0021%); highest among the groups gnomAD compares: Non-Finnish European, 0.0029%; no homozygotes.

Submission:

Labcorp Genetics (formerly Invitae), Labcorp
Classification: Uncertain significance. Last evaluated: 2020-10-24. Review status: criteria provided, single submitter. Criteria: Invitae Variant Classification Sherloc (09022015). Collection method: clinical testing. Allele origin: germline.
Comment: This sequence change replaces glutamic acid with glutamine at codon 147 of the CARMIL2 protein (p.Glu147Gln). The glutamic acid residue is weakly conserved and there is a small physicochemical difference between glutamic acid and glutamine. This variant is present in population databases (rs776215585, ExAC 0.002%). This variant has not been reported in the literature in individuals with CARMIL2-related conditions. Algorithms developed to predict the effect of missense changes on protein structure and function (SIFT, PolyPhen-2, Align-GVGD) all suggest that this variant is likely to be tolerated, but these predictions have not been confirmed by published functional studies and their clinical significance is uncertain. In summary, the available evidence is currently insufficient to determine the role of this variant in disease. Therefore, it has been classified as a Variant of Uncertain Significance.